The following is an entry in ClinVar:

NM_020762.4(SRGAP1):c.1849C>T (p.Arg617Cys)

Gene: SRGAP1 (SLIT-ROBO Rho GTPase activating protein 1; plus strand). Cytogenetic location: 12q14.2.
Variant type: single nucleotide variant.
Coding change: c.1849C>T on transcript NM_020762.4 (MANE Select); coding-DNA position 1849, C replaced by T.
Protein change: p.Arg617Cys; replaces arginine 617 with cysteine.
Molecular consequence: missense variant.
Genome position (GRCh38, 1-based): chr12:64,108,967, C>T. VCF-style: chr12-64108967-C-T. GRCh37 (hg19) VCF-style: chr12-64502747-C-T.
Other names: SRGAP1, ARG617CYS  (rs114817817); c.1780C>T, p.Arg594Cys (NM_001346201.2); c.1849C>T (NM_020762.3); short protein forms R617C, R594C.
Identifiers: ClinVar variation 208458 (VCV000208458.3), dbSNP rs114817817, ClinGen allele CA204463.

ClinVar aggregate classification (germline): Likely benign; risk factor. Review status: no assertion criteria provided (0 of 4 stars). 2 submissions from 2 submitters: Likely benign (1). Last evaluated 2021-09-24.

Conditions:
Thyroid cancer, nonmedullary, 2 (NMTC2). Also called: THYROID CARCINOMA, FOLLICULAR; Thyroid carcinoma, follicular, somatic; THYROID CANCER, NONMEDULLARY, 2, SUSCEPTIBILITY TO. Identifiers: MedGen C4225426, MONDO:0008566, OMIM 188470.
SRGAP1-related disorder. Also called: SRGAP1-related condition.

Allele frequency attached by ClinVar (database versions not stated): 1000 Genomes Project 0.00060; TOPMed 0.00095; gnomAD 0.00101; ExAC 0.00110; gnomAD exomes 0.00114; ESP Exome Variant Server 0.00138.
gnomAD v4.1: 1,492 of 1,603,988 alleles (0.093%); highest among the groups gnomAD compares: Middle Eastern, 0.78%; 2 homozygotes.

Submissions (2):

PreventionGenetics, part of Exact Sciences
Classification: Likely benign for SRGAP1-related condition. Last evaluated: 2021-09-24. Review status: no assertion criteria provided. Collection method: clinical testing. Allele origin: germline.
Comment: This variant is classified as likely benign based on ACMG/AMP sequence variant interpretation guidelines (Richards et al. 2015 PMID: 25741868, with internal and published modifications).

OMIM
Classification: risk factor for THYROID CANCER, NONMEDULLARY, 2, SUSCEPTIBILITY TO. Last evaluated: 2013-05-01. Review status: no assertion criteria provided. Collection method: literature only. Allele origin: germline.

Literature cited by the submitters: PubMed 23539728 (cited by OMIM).